The following is an entry in ClinVar:

NM_000218.3(KCNQ1):c.152_160del (p.Tyr51_Ile54delinsPhe)

Gene: KCNQ1 (potassium voltage-gated channel subfamily Q member 1; plus strand). Cytogenetic location: 11p15.5.
Variant type: Deletion.
Coding change: c.152_160del on transcript NM_000218.3 (MANE Select); coding-DNA positions 152 to 160, 9 bases deleted (ACGCGCCCA; older notation c.152_160delACGCGCCCA).
Protein change: p.Tyr51_Ile54delinsPhe.
Molecular consequence: inframe indel. On other transcripts: 5 prime UTR variant (1).
Genome position (GRCh38, 1-based): chr11:2,445,250-2,445,258, ACGCGCCCA deleted. VCF-style (leftmost placement, unchanged base first): chr11-2445249-TACGCGCCCA-T. GRCh37 (hg19) VCF-style: chr11-2466479-TACGCGCCCA-T.
Other names: c.152_160del, p.Tyr51_Ile54delinsPhe (NM_001406836.1, NM_001406838.1); c.-211_-203del (NM_001406837.1); c.152_160delACGCGCCCA (NM_000218.3).
Identifiers: ClinVar variation 3895850 (VCV003895850.1).
Genomic context (GRCh38, chr11:2,445,249, plus strand): 5'-GCCAAGAAGTGCCCCTTCTCGCTGGAGCTGGCGGAGGGCGGCCCGGCGGGCGGCGCGCTC[TACGCGCCCA>T]TCGCGCCCGGCGCCCCAGGTCCCGCGCCCCCTGCGTCCCCGGCCGCGCCCGCCGCGCCCC-3'

ClinVar aggregate classification (germline): Uncertain significance (1 of 4 stars; one submission).

Submission:

Women's Health and Genetics/Laboratory Corporation of America, LabCorp
Classification: Uncertain significance. Last evaluated: 2025-03-03. Review status: criteria provided, single submitter. Criteria: LabCorp Variant Classification Summary - May 2015. Collection method: clinical testing. Allele origin: germline.
Comment: Variant summary: KCNQ1 c.152_160delACGCGCCCA (p.Tyr51_Ile54delinsPhe) results in an in-frame deletion-insertion that is predicted to delete 3 amino acids from the protein and also cause changes in 1 amino acid. The variant was absent in 1199352 control chromosomes (gnomAD). The available data on variant occurrences in the general population are insufficient to allow any conclusion about variant significance. To our knowledge, no occurrence of c.152_160delACGCGCCCA in individuals affected with Jervell And Lange-Nielsen Syndrome and no experimental evidence demonstrating its impact on protein function have been reported. No submitters have cited clinical-significance assessments for this variant to ClinVar. Based on the evidence outlined above, the variant was classified as uncertain significance.